The following is an entry in ClinVar:

ClinVar aggregate classification (germline): Uncertain significance (1 of 4 stars; one submission).

Allele frequency attached by ClinVar (database versions not stated): gnomAD exomes below 0.00001.

Submission:

Women's Health and Genetics/Laboratory Corporation of America, LabCorp
Classification: Uncertain significance. Last evaluated: 2024-01-19. Review status: criteria provided, single submitter. Criteria: LabCorp Variant Classification Summary - May 2015. Collection method: clinical testing. Allele origin: germline.
Comment: Variant summary: CDKL5 c.2153-3C>T alters a conserved nucleotide located close to a canonical splice site and therefore could affect mRNA splicing, leading to a significantly altered protein sequence. Consensus agreement among computation tools predict no significant impact on normal splicing. However, these predictions have yet to be confirmed by functional studies. The variant was absent in 182500 control chromosomes. The available data on variant occurrences in the general population are insufficient to allow any conclusion about variant significance. To our knowledge, no occurrence of c.2153-3C>T in individuals affected with Early Infantile Epileptic Encephalopathy 2 and no experimental evidence demonstrating its impact on protein function have been reported. No submitters have cited clinical-significance assessments for this variant to ClinVar. Based on the evidence outlined above, the variant was classified as uncertain significance.

NM_001323289.2(CDKL5):c.2153-3C>T

Gene: CDKL5 (cyclin dependent kinase like 5; plus strand). Cytogenetic location: Xp22.13.
Variant type: single nucleotide variant.
Coding change: c.2153-3C>T on transcript NM_001323289.2 (MANE Select); 3 bases into the intron before coding-DNA position 2153, C replaced by T.
Molecular consequence: intron variant.
Genome position (GRCh38, 1-based): chrX:18,613,149, C>T. VCF-style: chrX-18613149-C-T. GRCh37 (hg19) VCF-style: chrX-18631269-C-T.
Other names: c.2153-3C>T (NM_003159.3, NM_001037343.2).
Identifiers: ClinVar variation 3063987 (VCV003063987.1), dbSNP rs2518884764, ClinGen allele CA1131408936.